The following is an entry in ClinVar:

NM_001036.6(RYR3):c.5242C>T (p.Leu1748Phe)

Gene: RYR3 (ryanodine receptor 3; plus strand). Cytogenetic location: 15q14.
Variant type: single nucleotide variant.
Coding change: c.5242C>T on transcript NM_001036.6 (MANE Select); coding-DNA position 5242, C replaced by T.
Protein change: p.Leu1748Phe; replaces leucine 1748 with phenylalanine.
Molecular consequence: missense variant.
Genome position (GRCh38, 1-based): chr15:33,662,772, C>T. VCF-style: chr15-33662772-C-T. GRCh37 (hg19) VCF-style: chr15-33954973-C-T.
Other names: c.5242C>T, p.Leu1748Phe (NM_001243996.4); short protein forms L1748F.
Identifiers: ClinVar variation 461922 (VCV000461922.7), dbSNP rs1009308978, ClinGen allele CA268543164.
Genomic context (GRCh38, chr15:33,662,772, plus strand): 5'-CTCATTGGAACCCTGCTGGTCATGGGCGTGTTTGATGATGATGATGTTCGGCAGATCCTC[C>T]TCCTGATTGATCCCTCTGTGTTTGGGGAGCATAGTGCGGGGACAGAGGAGGGAGCAGAAA-3'
Protein context (NP_001027.3, residues 1738-1758): FDDDDVRQIL[Leu1748Phe]LIDPSVFGEH

ClinVar aggregate classification (germline): Uncertain significance (1 of 4 stars; one submission).

Conditions:
Epileptic encephalopathy. Identifiers: MedGen C0543888, HP:0200134.

Allele frequency attached by ClinVar (database versions not stated): gnomAD exomes below 0.00001 and 0.00001; TOPMed below 0.00001.
gnomAD v4.1: 4 of 1,614,052 alleles (0.00025%); no homozygotes.

Submission:

Labcorp Genetics (formerly Invitae), Labcorp
Classification: Uncertain significance for Epileptic encephalopathy. Last evaluated: 2017-04-15. Review status: criteria provided, single submitter. Criteria: Invitae Variant Classification Sherloc (09022015). Collection method: clinical testing. Allele origin: germline.
Comment: In summary, this variant is a novel missense change with uncertain impact on protein function. It has been classified as a Variant of Uncertain Significance. Algorithms developed to predict the effect of missense changes on protein structure and function do not agree on the potential impact of this missense change (SIFT: "Deleterious"; PolyPhen-2: "Benign"; Align-GVGD: "Class C0"). This variant is not present in population databases (ExAC no frequency) and has not been reported in the literature in individuals with a RYR3-related disease. This sequence change replaces leucine with phenylalanine at codon 1748 of the RYR3 protein (p.Leu1748Phe). The leucine residue is highly conserved and there is a small physicochemical difference between leucine and phenylalanine.